The following is an entry in ClinVar:

ClinVar aggregate classification (germline): Likely benign. Review status: criteria provided, multiple submitters, no conflicts (2 of 4 stars). 2 submissions from 2 submitters: Likely benign (2). Last evaluated 2025-12-30.

Conditions:
Niemann-Pick disease, type C1. Also called: NEUROVISCERAL STORAGE DISEASE WITH VERTICAL SUPRANUCLEAR OPHTHALMOPLEGIA; NIEMANN-PICK DISEASE WITH CHOLESTEROL ESTERIFICATION BLOCK; NIEMANN-PICK DISEASE WITHOUT SPHINGOMYELINASE DEFICIENCY; NIEMANN-PICK DISEASE, CHRONIC NEURONOPATHIC FORM; NIEMANN-PICK DISEASE, VARIANT TYPE C1. Identifiers: Orphanet 646, MedGen C3179455, MONDO:0009757, OMIM 257220.
NPC1-related disorder. Also called: NPC1-related condition.

Allele frequency attached by ClinVar (database versions not stated): TOPMed 0.00005; gnomAD 0.00001.

Submissions (2):

PreventionGenetics, part of Exact Sciences
Classification: Likely benign for NPC1-related condition. Last evaluated: 2025-12-30. Review status: criteria provided, single submitter. Criteria: ACMG Guidelines, 2015. Collection method: clinical testing. Allele origin: germline.
Comment: This variant is classified as likely benign based on ACMG/AMP sequence variant interpretation guidelines (Richards et al. 2015 PMID: 25741868, with internal and published modifications).

Labcorp Genetics (formerly Invitae), Labcorp
Classification: Likely benign for Niemann-Pick disease, type C1. Last evaluated: 2025-03-20. Review status: criteria provided, single submitter. Criteria: Invitae Variant Classification Sherloc (09022015). Collection method: clinical testing. Allele origin: germline.

NM_000271.5(NPC1):c.2515-10G>T

Gene: NPC1 (NPC intracellular cholesterol transporter 1; minus strand). Cytogenetic location: 18q11.2.
Variant type: single nucleotide variant.
Coding change: c.2515-10G>T on transcript NM_000271.5 (MANE Select); 10 bases into the intron before coding-DNA position 2515, G replaced by T.
Molecular consequence: intron variant.
Genome position (GRCh38, 1-based): chr18:23,540,547, C>A on the plus strand (G>T on the coding strand, the complement: NPC1 is on the minus strand). VCF-style: chr18-23540547-C-A. GRCh37 (hg19) VCF-style: chr18-21120511-C-A.
Other names: c.2515-10G>T (NM_000271.4).
Identifiers: ClinVar variation 1622275 (VCV001622275.9), dbSNP rs1410751528, ClinGen allele CA628677982.
Genomic context (GRCh38, chr18:23,540,547, plus strand): 5'-TTTGTTCAGGACTGCGATGCTGAATGACAGAACACCCACAAATATTGCTATCTGGAACAA[C>A]AAATGAATCATAAGACAGAGACTGCTTAGTAAATAAGCTTACGACCAGAAATAAAATCTT-3'